The following is an entry in ClinVar:

NM_005904.4(SMAD7):c.667+8G>A

Gene: SMAD7 (SMAD family member 7; minus strand). Cytogenetic location: 18q21.1.
Variant type: single nucleotide variant.
Coding change: c.667+8G>A on transcript NM_005904.4 (MANE Select); 8 bases into the intron after coding-DNA position 667, G replaced by A.
Molecular consequence: intron variant.
Genome position (GRCh38, 1-based): chr18:48,948,376, C>T on the plus strand (G>A on the coding strand, the complement: SMAD7 is on the minus strand). VCF-style: chr18-48948376-C-T. GRCh37 (hg19) VCF-style: chr18-46474746-C-T.
Other names: c.667+8G>A (NM_001190821.2); c.22+8G>A (NM_001190822.2).
Identifiers: ClinVar variation 3060367 (VCV003060367.3), dbSNP rs3736242, ClinGen allele CA8957758.

ClinVar aggregate classification (germline): Benign (1 of 4 stars; one submission).

Conditions:
SMAD7-related disorder. Also called: SMAD7-related condition.

Allele frequency attached by ClinVar (database versions not stated): 1000 Genomes Project 0.20847; ESP Exome Variant Server 0.20871; 1000 Genomes Project 30x 0.21034; gnomAD 0.21222; TOPMed 0.21253; ExAC 0.22611.
gnomAD v4.1: 359,283 of 1,569,362 alleles (23%); highest among the groups gnomAD compares: East Asian, 30%; 42,251 homozygotes.

Submission:

PreventionGenetics, part of Exact Sciences
Classification: Benign for SMAD7-related condition. Last evaluated: 2024-10-11. Review status: criteria provided, single submitter. Criteria: ACMG Guidelines, 2015. Collection method: clinical testing. Allele origin: germline.
Comment: This variant is classified as benign based on ACMG/AMP sequence variant interpretation guidelines (Richards et al. 2015 PMID: 25741868, with internal and published modifications).